The following is an entry in ClinVar:

ClinVar aggregate classification (germline): Uncertain significance. Review status: criteria provided, multiple submitters, no conflicts (2 of 4 stars). 2 submissions from 2 submitters: Uncertain significance (2). Last evaluated 2024-07-22.

Conditions:
Birt-Hogg-Dube syndrome. Also called: Birt Hogg Dubé syndrome. Identifiers: Orphanet 122, MedGen C0346010, MONDO:0800444.
Hereditary cancer-predisposing syndrome. Also called: Hereditary neoplastic syndrome; Tumor predisposition; Neoplastic Syndromes, Hereditary; Hereditary Cancer Syndrome. Identifiers: Orphanet 140162, MedGen C0027672, MeSH D009386, MONDO:0015356.

Submissions (2):

Labcorp Genetics (formerly Invitae), Labcorp
Classification: Uncertain significance for Birt-Hogg-Dube syndrome. Last evaluated: 2024-07-22. Review status: criteria provided, single submitter. Criteria: Invitae Variant Classification Sherloc (09022015). Collection method: clinical testing. Allele origin: germline.
Comment: This sequence change replaces methionine, which is neutral and non-polar, with lysine, which is basic and polar, at codon 54 of the FLCN protein (p.Met54Lys). This variant is not present in population databases (gnomAD no frequency). This variant has not been reported in the literature in individuals affected with FLCN-related conditions. ClinVar contains an entry for this variant (Variation ID: 955595). An algorithm developed to predict the effect of missense changes on protein structure and function (PolyPhen-2) suggests that this variant is likely to be tolerated. In summary, the available evidence is currently insufficient to determine the role of this variant in disease. Therefore, it has been classified as a Variant of Uncertain Significance.

Ambry Genetics
Classification: Uncertain significance for Hereditary cancer-predisposing syndrome. Last evaluated: 2021-10-06. Review status: criteria provided, single submitter. Criteria: Ambry Variant Classification Scheme 2023. Collection method: clinical testing. Allele origin: germline.
Comment: The p.M54K variant (also known as c.161T>A), located in coding exon 1 of the FLCN gene, results from a T to A substitution at nucleotide position 161. The methionine at codon 54 is replaced by lysine, an amino acid with similar properties. This amino acid position is highly conserved in available vertebrate species. In addition, this alteration is predicted to be deleterious by in silico analysis. Since supporting evidence is limited at this time, the clinical significance of this alteration remains unclear.

NM_144997.7(FLCN):c.161T>A (p.Met54Lys)

Gene: FLCN (folliculin; minus strand). Cytogenetic location: 17p11.2.
Variant type: single nucleotide variant.
Coding change: c.161T>A on transcript NM_144997.7 (MANE Select); coding-DNA position 161, T replaced by A.
Protein change: p.Met54Lys; replaces methionine 54 with lysine.
Molecular consequence: missense variant.
Genome position (GRCh38, 1-based): chr17:17,227,977, A>T on the plus strand (T>A on the coding strand, the complement: FLCN is on the minus strand). VCF-style: chr17-17227977-A-T. GRCh37 (hg19) VCF-style: chr17-17131291-A-T.
Other names: c.161T>A, p.Met54Lys (NM_001353229.2, NM_001353230.2, NM_001353231.2 and 1 more transcripts); short protein forms M54K.
Identifiers: ClinVar variation 955595 (VCV000955595.9), dbSNP rs1555611472, ClinGen allele CA398535197.